The following is an entry in ClinVar:

ClinVar aggregate classification (germline): Likely pathogenic (1 of 4 stars; one submission).

Conditions:
ANK1-related disorder. Also called: ANK1-related condition.

Submission:

PreventionGenetics, part of Exact Sciences
Classification: Likely pathogenic for ANK1-related condition. Last evaluated: 2023-04-13. Review status: criteria provided, single submitter. Criteria: ACMG Guidelines, 2015. Collection method: clinical testing. Allele origin: germline.
Comment: The ANK1 c.530delT variant is predicted to result in a frameshift and premature protein termination (p.Leu177Argfs*76). To our knowledge, this variant has not been reported in the literature or in a large population database, indicating this variant is rare. Frameshift variants in ANK1 are expected to be pathogenic. This variant is interpreted as likely pathogenic.

NM_000037.4(ANK1):c.530del (p.Leu177fs)

Genes: ANK1 (ankyrin 1; minus strand), LOC124153154 (Sharpr-MPRA regulatory region 1462; plus strand). Cytogenetic location: 8p11.21.
Variant type: Deletion.
Coding change: c.530del on transcript NM_000037.4 (MANE Select); coding-DNA position 530, one base deleted (T; older notation c.530delT).
Protein change: p.Leu177fs; shifts the reading frame from leucine 177.
Molecular consequence: frameshift variant.
Genome position (GRCh38, 1-based): chr8:41,725,843, A deleted on the plus strand (T on the coding strand, the reverse complement: ANK1 is on the minus strand). VCF-style (leftmost placement, unchanged base first): chr8-41725842-CA-C. GRCh37 (hg19) VCF-style: chr8-41583360-CA-C.
Other names: c.629del, p.Leu210fs (NM_001142446.2); c.530del, p.Leu177fs (NM_020475.3, NM_020476.3, NM_020477.3); short protein forms L177fs, L210fs.
Identifiers: ClinVar variation 2633048 (VCV002633048.1), dbSNP rs2486987573, ClinGen allele CA2695199675.
Genomic context (GRCh38, chr8:41,725,842, plus strand): 5'-GGGGTCGTTCTGCAGCAGCACCGCAGCCGTGCGCGTGTCGTCGTTGCGGGCCGCGATGTG[CA>C]GGGCCGGGAGGCGCACCTTCCCCTTGGTGCCGTAGTTGATGAGGTGCGCGACGACGTTCT-3'